The following is an entry in ClinVar:

ClinVar aggregate classification (germline): Conflicting classifications of pathogenicity. Review status: criteria provided, conflicting classifications (1 of 4 stars). 11 submissions from 11 submitters: Uncertain significance (1); Benign (2); Likely benign (4). 4 of the submissions do not count toward it. Last evaluated 2026-06-01.

Conditions:
Townes syndrome (TBS). Also called: Townes-Brocks syndrome. Identifiers: Orphanet 857, MedGen C0265246, MeSH C536974, MONDO:0007142.
Townes-Brocks syndrome 1 (TBS1). Also called: REAR SYNDROME; RENAL-EAR-ANAL-RADIAL SYNDROME; SALL1-Related Townes-Brocks Syndrome; DEAFNESS, SENSORINEURAL, WITH IMPERFORATE ANUS AND THUMB ANOMALIES. Identifiers: Orphanet 857, MedGen C4551481, MONDO:0054581, OMIM 107480.

Submissions (11):

CeGaT Center for Human Genetics Tuebingen
Classification: Benign. Last evaluated: 2026-06-01. Review status: criteria provided, single submitter. Criteria: CeGaT Center For Human Genetics Tuebingen Variant Classification Criteria Version 2. Collection method: clinical testing. Allele origin: germline. Affected: yes. Observed: 10 variant alleles.
Comment: SALL1: BS1, BS2

Labcorp Genetics (formerly Invitae), Labcorp
Classification: Likely benign for Townes syndrome. Last evaluated: 2026-01-05. Review status: criteria provided, single submitter. Criteria: Invitae Variant Classification Sherloc (09022015). Collection method: clinical testing. Allele origin: germline.

Blueprint Genetics
Classification: Likely benign. Last evaluated: 2024-11-27. Review status: criteria provided, single submitter. Criteria: ACMG Guidelines, 2015. Collection method: clinical testing. Allele origin: germline.

GeneDx
Classification: Likely benign. Last evaluated: 2021-04-17. Review status: criteria provided, single submitter. Criteria: GeneDx Variant Classification Process June 2021. Collection method: clinical testing. Allele origin: germline. Affected: yes.
Comment: This variant is associated with the following publications: (PMID: 27657687)

Genetic Services Laboratory, University of Chicago
Classification: Likely benign. Last evaluated: 2020-07-09. Review status: criteria provided, single submitter. Criteria: ACMG Guidelines, 2015. Collection method: clinical testing. Allele origin: germline. Affected: no.

Eurofins Ntd Llc (ga)
Classification: Benign. Last evaluated: 2016-08-30. Review status: criteria provided, single submitter. Criteria: EGL Classification Definitions 2015. Collection method: clinical testing. Allele origin: germline. Observed: 1 variant allele, 1 heterozygote.

Lupski Lab, Baylor-Hopkins CMG, Baylor College of Medicine
Classification: Uncertain significance for Townes-Brocks syndrome 1. Review status: criteria provided, single submitter. Criteria: Bekheirnia et al. (Genet Med. 2016). Collection method: research. Allele origin: unknown. Inheritance: Autosomal dominant inheritance. Affected: yes. Observed: 1 heterozygote.

Clinical Genetics DNA and cytogenetics Diagnostics Lab, Erasmus MC, Erasmus Medical Center
Classification: Likely benign. Review status: no assertion criteria provided. Collection method: clinical testing. Allele origin: germline. Affected: yes. Study: VKGL Data-share Consensus. Not counted in ClinVar's aggregate classification.

Diagnostic Laboratory, Department of Genetics, University Medical Center Groningen
Classification: Likely benign. Review status: no assertion criteria provided. Collection method: clinical testing. Allele origin: germline. Affected: yes. Study: VKGL Data-share Consensus. Not counted in ClinVar's aggregate classification.

Genome Diagnostics Laboratory, University Medical Center Utrecht
Classification: Likely benign. Review status: no assertion criteria provided. Collection method: clinical testing. Allele origin: germline. Affected: yes. Study: VKGL Data-share Consensus. Not counted in ClinVar's aggregate classification.

Laboratory of Diagnostic Genome Analysis, Leiden University Medical Center (LUMC)
Classification: Likely benign. Review status: no assertion criteria provided. Collection method: clinical testing. Allele origin: germline. Affected: yes. Study: VKGL Data-share Consensus. Not counted in ClinVar's aggregate classification.

NM_002968.3(SALL1):c.448AGC[7] (p.Ser157_Ser159del)

Gene: SALL1 (spalt like transcription factor 1; minus strand). Cytogenetic location: 16q12.1.
Variant type: Microsatellite.
Coding change: c.448AGC[7] on transcript NM_002968.3 (MANE Select); seven copies in a row of the 3-base unit AGC starting at c.448; the reference has ten copies in a row; three copies, 9 bases deleted.
Protein change: p.Ser157_Ser159del.
Molecular consequence: inframe deletion.
Genome position (GRCh38, 1-based): chr16:51,141,745-51,141,753, GCTGCTGCT deleted on the plus strand (AGCAGCAGC on the coding strand, the reverse complement: SALL1 is on the minus strand); deleting any 9 consecutive bases within chr16:51,141,745-51,141,774 gives the same sequence; the position shown is the placement nearest the transcript's 3' end. VCF-style (leftmost placement, unchanged base first): chr16-51141744-CGCTGCTGCT-C. GRCh37 (hg19) VCF-style: chr16-51175655-CGCTGCTGCT-C.
Other names: c.469_477delAGCAGCAGC (NM_002968.2); c.157AGC[7], p.Ser60_Ser62del (NM_001127892.2).
Identifiers: ClinVar variation 224343 (VCV000224343.52), dbSNP rs113614842, ClinGen allele CA8053463.